The following is an entry in ClinVar:

NM_001364905.1(LRBA):c.6627A>G (p.Ile2209Met)

Gene: LRBA (LPS responsive beige-like anchor protein; minus strand). Cytogenetic location: 4q31.3.
Variant type: single nucleotide variant.
Coding change: c.6627A>G on transcript NM_001364905.1 (MANE Select); coding-DNA position 6627, A replaced by G.
Protein change: p.Ile2209Met; replaces isoleucine 2209 with methionine.
Molecular consequence: missense variant.
Genome position (GRCh38, 1-based): chr4:150,471,664, T>C on the plus strand (A>G on the coding strand, the complement: LRBA is on the minus strand). VCF-style: chr4-150471664-T-C. GRCh37 (hg19) VCF-style: chr4-151392816-T-C.
Other names: c.6627A>G, p.Ile2209Met (NM_001199282.3, NM_001367550.1); c.6660A>G, p.Ile2220Met (NM_006726.5); short protein forms I2209M, I2220M.
Identifiers: ClinVar variation 1514356 (VCV001514356.8), dbSNP rs2152068446, ClinGen allele CA358606659.

ClinVar aggregate classification (germline): Uncertain significance (1 of 4 stars; one submission).

Conditions:
Combined immunodeficiency due to LRBA deficiency. Also called: Common variable immunodeficiency 8, with autoimmunity. Identifiers: Orphanet 445018, MedGen C3553512, MONDO:0013863, OMIM 614700.

Submission:

Labcorp Genetics (formerly Invitae), Labcorp
Classification: Uncertain significance for Combined immunodeficiency due to LRBA deficiency. Last evaluated: 2024-02-05. Review status: criteria provided, single submitter. Criteria: Invitae Variant Classification Sherloc (09022015). Collection method: clinical testing. Allele origin: germline.
Comment: This sequence change replaces isoleucine, which is neutral and non-polar, with methionine, which is neutral and non-polar, at codon 2220 of the LRBA protein (p.Ile2220Met). This variant is not present in population databases (gnomAD no frequency). This variant has not been reported in the literature in individuals affected with LRBA-related conditions. ClinVar contains an entry for this variant (Variation ID: 1514356). Advanced modeling of protein sequence and biophysical properties (such as structural, functional, and spatial information, amino acid conservation, physicochemical variation, residue mobility, and thermodynamic stability) performed at Invitae indicates that this missense variant is expected to disrupt LRBA protein function with a positive predictive value of 80%. In summary, the available evidence is currently insufficient to determine the role of this variant in disease. Therefore, it has been classified as a Variant of Uncertain Significance.